The following is an entry in ClinVar:

ClinVar aggregate classification (germline): Uncertain significance (1 of 4 stars; one submission).

Allele frequency attached by ClinVar (database versions not stated): ESP Exome Variant Server 0.00008.

Submission:

Labcorp Genetics (formerly Invitae), Labcorp
Classification: Uncertain significance. Last evaluated: 2021-06-27. Review status: criteria provided, single submitter. Criteria: Invitae Variant Classification Sherloc (09022015). Collection method: clinical testing. Allele origin: germline.
Comment: This sequence change replaces valine with leucine at codon 249 of the IL2RB protein (p.Val249Leu). The valine residue is weakly conserved and there is a small physicochemical difference between valine and leucine. This variant is present in population databases (rs147866253, ExAC 0.001%). This variant has not been reported in the literature in individuals with IL2RB-related conditions. Algorithms developed to predict the effect of missense changes on protein structure and function output the following: SIFT: "Tolerated"; PolyPhen-2: "Benign"; Align-GVGD: "Class C0". The leucine amino acid residue is found in multiple mammalian species, suggesting that this missense change does not adversely affect protein function. These predictions have not been confirmed by published functional studies and their clinical significance is uncertain. In summary, the available evidence is currently insufficient to determine the role of this variant in disease. Therefore, it has been classified as a Variant of Uncertain Significance.

NM_000878.5(IL2RB):c.745G>T (p.Val249Leu)

Gene: IL2RB (interleukin 2 receptor subunit beta; minus strand). Cytogenetic location: 22q12.3.
Variant type: single nucleotide variant.
Coding change: c.745G>T on transcript NM_000878.5 (MANE Select); coding-DNA position 745, G replaced by T.
Protein change: p.Val249Leu; replaces valine 249 with leucine.
Molecular consequence: missense variant.
Genome position (GRCh38, 1-based): chr22:37,135,401, C>A on the plus strand (G>T on the coding strand, the complement: IL2RB is on the minus strand). VCF-style: chr22-37135401-C-A. GRCh37 (hg19) VCF-style: chr22-37531441-C-A.
Other names: c.745G>T, p.Val249Leu (NM_001346222.1, NM_001346223.2); short protein forms V249L.
Identifiers: ClinVar variation 1378387 (VCV001378387.8), dbSNP rs147866253, ClinGen allele CA10216532.